The following is an entry in ClinVar:

NM_201384.3(PLEC):c.9823C>A (p.Arg3275Ser)

Gene: PLEC (plectin; minus strand). Cytogenetic location: 8q24.3.
Variant type: single nucleotide variant.
Coding change: c.9823C>A on transcript NM_201384.3 (MANE Select); coding-DNA position 9823, C replaced by A.
Protein change: p.Arg3275Ser; replaces arginine 3275 with serine.
Molecular consequence: missense variant.
Genome position (GRCh38, 1-based): chr8:143,919,998, G>T on the plus strand (C>A on the coding strand, the complement: PLEC is on the minus strand). VCF-style: chr8-143919998-G-T. GRCh37 (hg19) VCF-style: chr8-144994166-G-T.
Other names: c.9904C>A, p.Arg3302Ser (NM_000445.5); c.9781C>A, p.Arg3261Ser (NM_201378.4); c.9757C>A, p.Arg3253Ser (NM_201379.3); c.10234C>A, p.Arg3412Ser (NM_201380.4); c.9727C>A, p.Arg3243Ser (NM_201381.3); c.9823C>A, p.Arg3275Ser (NM_201382.4); c.9835C>A, p.Arg3279Ser (NM_201383.3); short protein forms R3275S, R3243S, R3279S, R3302S, R3412S, R3261S, R3253S.
Identifiers: ClinVar variation 1375326 (VCV001375326.6), dbSNP rs782733657, ClinGen allele CA372506496.

ClinVar aggregate classification (germline): Uncertain significance (1 of 4 stars; one submission).

Conditions:
Epidermolysis bullosa simplex 5C, with pyloric atresia (EBS5C). Also called: PLEC-Related Epidermolysis Bullosa with Pyloric Atresia; Epidermolysis bullosa simplex with pyloric atresia; PLEC1-Related Epidermolysis Bullosa with Pyloric Atresia. Identifiers: Orphanet 158684, MedGen C2677349, MONDO:0012807, OMIM 612138.
Epidermolysis bullosa simplex 5B, with muscular dystrophy (EBS5B). Also called: EPIDERMOLYSIS BULLOSA SIMPLEX AND LIMB-GIRDLE MUSCULAR DYSTROPHY; Epidermolysis bullosa simplex with muscular dystrophy. Identifiers: Orphanet 257, MedGen C2931072, MONDO:0009181, OMIM 226670.
Epidermolysis bullosa simplex, Ogna type (EBS5A). Also called: Pidermolysis bullosa simplex 5A, Ogna type; EPIDERMOLYSIS BULLOSA SIMPLEX 5A, OGNA TYPE. Identifiers: Orphanet 79401, MedGen C0432317, MONDO:0007555, OMIM 131950.
Autosomal recessive limb-girdle muscular dystrophy type 2Q (LGMDR17). Also called: MUSCULAR DYSTROPHY, LIMB-GIRDLE, AUTOSOMAL RECESSIVE 17. Identifiers: Orphanet 254361, MedGen C3150989, MONDO:0013390, OMIM 613723.
Epidermolysis bullosa simplex with nail dystrophy (EBS5D). Identifiers: MedGen C4225309, MONDO:0014661, OMIM 616487.

Submission:

Labcorp Genetics (formerly Invitae), Labcorp
Classification: Uncertain significance for Autosomal recessive limb-girdle muscular dystrophy type 2Q; Epidermolysis bullosa simplex, Ogna type; Epidermolysis bullosa simplex with nail dystrophy; Epidermolysis bullosa simplex 5C, with pyloric atresia; Epidermolysis bullosa simplex 5B, with muscular dystrophy. Last evaluated: 2022-02-24. Review status: criteria provided, single submitter. Criteria: Invitae Variant Classification Sherloc (09022015). Collection method: clinical testing. Allele origin: germline.
Comment: In summary, the available evidence is currently insufficient to determine the role of this variant in disease. Therefore, it has been classified as a Variant of Uncertain Significance. Algorithms developed to predict the effect of missense changes on protein structure and function (SIFT, PolyPhen-2, Align-GVGD) all suggest that this variant is likely to be disruptive. This variant has not been reported in the literature in individuals affected with PLEC-related conditions. This variant is not present in population databases (gnomAD no frequency). This sequence change replaces arginine, which is basic and polar, with serine, which is neutral and polar, at codon 3302 of the PLEC protein (p.Arg3302Ser).